The following is an entry in ClinVar:

ClinVar aggregate classification (germline): Uncertain significance. Review status: criteria provided, multiple submitters, no conflicts (2 of 4 stars). 3 submissions from 3 submitters: Uncertain significance (3). Last evaluated 2023-10-16.

Conditions:
Cardiovascular phenotype. Identifiers: MedGen CN230736.

Allele frequency attached by ClinVar (database versions not stated): gnomAD exomes below 0.00001 and 0.00001; gnomAD 0.00001 and 0.00003; TOPMed 0.00002; ESP Exome Variant Server 0.00008.
gnomAD v4.1: 26 of 1,613,302 alleles (0.0016%); highest among the groups gnomAD compares: Middle Eastern, 0.099%; 1 homozygote.

Submissions (3):

GeneDx
Classification: Uncertain significance. Last evaluated: 2023-10-16. Review status: criteria provided, single submitter. Criteria: GeneDx Variant Classification Process June 2021. Collection method: clinical testing. Allele origin: germline. Affected: yes.
Comment: Not observed at significant frequency in large population cohorts (gnomAD); Missense variant in a gene in which most reported pathogenic variants are truncating/loss of function; This variant is associated with the following publications: (PMID: 34426522, 32039858, 23299917, 31402444, 21810661)

Ambry Genetics
Classification: Uncertain significance for Cardiovascular phenotype. Last evaluated: 2018-09-06. Review status: criteria provided, single submitter. Criteria: Ambry Variant Classification Scheme 2023. Collection method: clinical testing. Allele origin: germline.
Comment: The p.I10452T variant (also known as c.31355T>C), located in coding exon 125 of the TTN gene, results from a T to C substitution at nucleotide position 31355. The isoleucine at codon 10452 is replaced by threonine, an amino acid with similar properties. This variant (also reported as p.I16949T) was detected in an individual reported to have arrhythmogenic right ventricular cardiomyopathy, but was also detected in the proband's unaffected parent (Taylor M et al. Circulation, 2011 Aug;124:876-85). This variant has been seen in an exome cohort, but cardiovascular history was not provided (Andreasen C et al. Eur. J. Hum. Genet., 2013 Sep;21:918-28). This amino acid position is well conserved in available vertebrate species. In addition, the in silico prediction for this alteration is inconclusive. Since supporting evidence is limited at this time, the clinical significance of this alteration remains unclear.

Eurofins Ntd Llc (ga)
Classification: Uncertain significance. Last evaluated: 2018-08-29. Review status: criteria provided, single submitter. Criteria: EGL ClinVar v180209 classification definitions. Collection method: clinical testing. Allele origin: germline. Observed: 1 variant allele, 1 heterozygote.

Literature cited by the submitters: PubMed 21810661 (cited by Ambry Genetics); PubMed 23299917 (cited by Ambry Genetics).

NM_001267550.2(TTN):c.58550T>C (p.Ile19517Thr)

Genes: TTN (titin; minus strand), TTN-AS1 (TTN antisense RNA 1; plus strand). Cytogenetic location: 2q31.2.
Variant type: single nucleotide variant.
Coding change: c.58550T>C on transcript NM_001267550.2 (MANE Select); coding-DNA position 58550, T replaced by C.
Protein change: p.Ile19517Thr; replaces isoleucine 19517 with threonine.
Molecular consequence: missense variant.
Genome position (GRCh38, 1-based): chr2:178,593,750, A>G on the plus strand (T>C on the coding strand, the complement: TTN is on the minus strand). VCF-style: chr2-178593750-A-G. GRCh37 (hg19) VCF-style: chr2-179458477-A-G.
Other names: c.53627T>C, p.Ile17876Thr (NM_001256850.1); c.31355T>C, p.Ile10452Thr (NM_003319.4); c.50846T>C, p.Ile16949Thr (NM_133378.4); c.31730T>C, p.Ile10577Thr (NM_133432.3); c.31931T>C, p.Ile10644Thr (NM_133437.4); c.58550T>C (NM_001267550.1); short protein forms I16949T, I19517T, I10577T, I10452T, I17876T, I10644T.
Identifiers: ClinVar variation 598555 (VCV000598555.8), dbSNP rs72646838, ClinGen allele CA60971576.
Genomic context (GRCh38, chr2:178,593,750, plus strand): 5'-GTTTTAGCACTTGCAGATGTCACTGGCATCCAGACGTCTTTACCCACTTCCTTCTTCTCA[A>G]TAATATAATTGGTGATTTTACTGCCTCCATCATCTAAAGGAGGCTTCCAAGAGATAACCA-3'
Protein context (NP_001254479.2, residues 19507-19527): DGGSKITNYI[Ile19517Thr]EKKEVGKDVW